The following is an entry in ClinVar:

ClinVar aggregate classification (germline): Uncertain significance. Review status: criteria provided, multiple submitters, no conflicts (2 of 4 stars). 2 submissions from 2 submitters: Uncertain significance (2). Last evaluated 2021-11-23.

Conditions:
Developmental and epileptic encephalopathy, 12 (DEE12). Identifiers: MedGen C3150988, MONDO:0013389, OMIM 613722.

Allele frequency attached by ClinVar (database versions not stated): gnomAD exomes below 0.00001; TOPMed 0.00001.
gnomAD v4.1: 1 of 1,613,774 alleles (0.000062%); highest among the groups gnomAD compares: Non-Finnish European, 0.000085%; no homozygotes.

Submissions (2):

Labcorp Genetics (formerly Invitae), Labcorp
Classification: Uncertain significance for Developmental and epileptic encephalopathy, 12. Last evaluated: 2021-11-23. Review status: criteria provided, single submitter. Criteria: Invitae Variant Classification Sherloc (09022015). Collection method: clinical testing. Allele origin: germline.
Comment: This sequence change replaces arginine, which is basic and polar, with tryptophan, which is neutral and slightly polar, at codon 1020 of the PLCB1 protein (p.Arg1020Trp). In summary, the available evidence is currently insufficient to determine the role of this variant in disease. Therefore, it has been classified as a Variant of Uncertain Significance. Algorithms developed to predict the effect of missense changes on protein structure and function are either unavailable or do not agree on the potential impact of this missense change (SIFT: "Deleterious"; PolyPhen-2: "Probably Damaging"; Align-GVGD: "Class C0"). ClinVar contains an entry for this variant (Variation ID: 898604). This variant has not been reported in the literature in individuals affected with PLCB1-related conditions. This variant is not present in population databases (gnomAD no frequency).

Illumina Laboratory Services, Illumina
Classification: Uncertain significance for Developmental and epileptic encephalopathy, 12. Last evaluated: 2017-04-27. Review status: criteria provided, single submitter. Criteria: ICSL Variant Classification Criteria 13 December 2019. Collection method: clinical testing. Allele origin: germline.

NM_015192.4(PLCB1):c.3058C>T (p.Arg1020Trp)

Gene: PLCB1 (phospholipase C beta 1; plus strand). Cytogenetic location: 20p12.3.
Variant type: single nucleotide variant.
Coding change: c.3058C>T on transcript NM_015192.4 (MANE Select); coding-DNA position 3058, C replaced by T.
Protein change: p.Arg1020Trp; replaces arginine 1020 with tryptophan.
Molecular consequence: missense variant.
Genome position (GRCh38, 1-based): chr20:8,774,666, C>T. VCF-style: chr20-8774666-C-T. GRCh37 (hg19) VCF-style: chr20-8755313-C-T.
Other names: c.3058C>T, p.Arg1020Trp (NM_182734.3); short protein forms R1020W.
Identifiers: ClinVar variation 898604 (VCV000898604.9), dbSNP rs1023330264, ClinGen allele CA311269214.